The following is an entry in ClinVar:

NM_000135.4(FANCA):c.3139T>G (p.Phe1047Val)

Gene: FANCA (FA complementation group A; minus strand). Cytogenetic location: 16q24.3.
Variant type: single nucleotide variant.
Coding change: c.3139T>G on transcript NM_000135.4 (MANE Select); coding-DNA position 3139, T replaced by G.
Protein change: p.Phe1047Val; replaces phenylalanine 1047 with valine.
Molecular consequence: missense variant.
Genome position (GRCh38, 1-based): chr16:89,749,830, A>C on the plus strand (T>G on the coding strand, the complement: FANCA is on the minus strand). VCF-style: chr16-89749830-A-C. GRCh37 (hg19) VCF-style: chr16-89816238-A-C.
Other names: c.3139T>G, p.Phe1047Val (NM_001286167.3); short protein forms F1047V.
Identifiers: ClinVar variation 4619147 (VCV004619147.1).

ClinVar aggregate classification (germline): Uncertain significance (1 of 4 stars; one submission).

Conditions:
Inborn genetic diseases. Identifiers: MedGen C0950123, MeSH D030342.

Submission:

Ambry Genetics
Classification: Uncertain significance for Inborn genetic diseases. Last evaluated: 2025-09-17. Review status: criteria provided, single submitter. Criteria: Ambry Variant Classification Scheme 2023. Collection method: clinical testing. Allele origin: germline.
Comment: The p.F1047V variant (also known as c.3139T>G), located in coding exon 32 of the FANCA gene, results from a T to G substitution at nucleotide position 3139. The phenylalanine at codon 1047 is replaced by valine, an amino acid with highly similar properties. This amino acid position is conserved. In addition, the in silico prediction for this alteration is inconclusive. Based on the available evidence, the clinical significance of this variant remains unclear.